The following is an entry in ClinVar:

NM_020433.5(JPH2):c.1904C>A (p.Ala635Asp)

Gene: JPH2 (junctophilin 2; minus strand). Cytogenetic location: 20q13.12.
Variant type: single nucleotide variant.
Coding change: c.1904C>A on transcript NM_020433.5 (MANE Select); coding-DNA position 1904, C replaced by A.
Protein change: p.Ala635Asp; replaces alanine 635 with aspartic acid.
Molecular consequence: missense variant.
Genome position (GRCh38, 1-based): chr20:44,115,771, G>T on the plus strand (C>A on the coding strand, the complement: JPH2 is on the minus strand). VCF-style: chr20-44115771-G-T. GRCh37 (hg19) VCF-style: chr20-42744411-G-T.
Other names: short protein forms A635D.
Identifiers: ClinVar variation 1502308 (VCV001502308.6), dbSNP rs2145838059, ClinGen allele CA409099705.

ClinVar aggregate classification (germline): Uncertain significance (1 of 4 stars; one submission).

Conditions:
Hypertrophic cardiomyopathy. Also called: HYPERTROPHIC MYOCARDIOPATHY. Identifiers: Orphanet 217569, MedGen C0007194, MeSH D002312, MONDO:0005045, HP:0001639.

Allele frequency attached by ClinVar (database versions not stated): gnomAD exomes below 0.00001.
gnomAD v4.1: 1 of 1,611,998 alleles (0.000062%); highest among the groups gnomAD compares: South Asian, 0.0011%; no homozygotes.

Submission:

Labcorp Genetics (formerly Invitae), Labcorp
Classification: Uncertain significance for Hypertrophic cardiomyopathy. Last evaluated: 2021-07-31. Review status: criteria provided, single submitter. Criteria: Invitae Variant Classification Sherloc (09022015). Collection method: clinical testing. Allele origin: germline.
Comment: In summary, the available evidence is currently insufficient to determine the role of this variant in disease. Therefore, it has been classified as a Variant of Uncertain Significance. Algorithms developed to predict the effect of missense changes on protein structure and function (SIFT, PolyPhen-2, Align-GVGD) all suggest that this variant is likely to be tolerated. This variant has not been reported in the literature in individuals affected with JPH2-related conditions. This variant is not present in population databases (ExAC no frequency). This sequence change replaces alanine with aspartic acid at codon 635 of the JPH2 protein (p.Ala635Asp). The alanine residue is moderately conserved and there is a moderate physicochemical difference between alanine and aspartic acid.